The following is an entry in ClinVar:

NM_018127.7(ELAC2):c.2326G>A (p.Glu776Lys)

Gene: ELAC2 (elaC ribonuclease Z 2; minus strand). Cytogenetic location: 17p12.
Variant type: single nucleotide variant.
Coding change: c.2326G>A on transcript NM_018127.7 (MANE Select); coding-DNA position 2326, G replaced by A.
Protein change: p.Glu776Lys; replaces glutamic acid 776 with lysine.
Molecular consequence: missense variant.
Genome position (GRCh38, 1-based): chr17:12,992,973, C>T on the plus strand (G>A on the coding strand, the complement: ELAC2 is on the minus strand). VCF-style: chr17-12992973-C-T. GRCh37 (hg19) VCF-style: chr17-12896290-C-T.
Other names: c.2206G>A, p.Glu736Lys (NM_001165962.2); c.2323G>A, p.Glu775Lys (NM_173717.2); short protein forms E775K, E736K, E776K.
Identifiers: ClinVar variation 2155244 (VCV002155244.3), dbSNP rs759606875, ClinGen allele CA8400831.

ClinVar aggregate classification (germline): Uncertain significance (1 of 4 stars; one submission).

Conditions:
Combined oxidative phosphorylation defect type 17. Also called: Combined oxidative phosphorylation deficiency 17. Identifiers: Orphanet 369913, MedGen C3809526, MONDO:0014190, OMIM 615440.

gnomAD v4.1: 14 of 1,603,890 alleles (0.00087%); highest among the groups gnomAD compares: South Asian, 0.0022%; no homozygotes.

Submission:

Labcorp Genetics (formerly Invitae), Labcorp
Classification: Uncertain significance for Combined oxidative phosphorylation defect type 17. Last evaluated: 2022-09-21. Review status: criteria provided, single submitter. Criteria: Invitae Variant Classification Sherloc (09022015). Collection method: clinical testing. Allele origin: germline.
Comment: This sequence change replaces glutamic acid, which is acidic and polar, with lysine, which is basic and polar, at codon 776 of the ELAC2 protein (p.Glu776Lys). This variant is present in population databases (rs759606875, gnomAD 0.007%). This variant has not been reported in the literature in individuals affected with ELAC2-related conditions. Advanced modeling of protein sequence and biophysical properties (such as structural, functional, and spatial information, amino acid conservation, physicochemical variation, residue mobility, and thermodynamic stability) performed at Invitae indicates that this missense variant is not expected to disrupt ELAC2 protein function. In summary, the available evidence is currently insufficient to determine the role of this variant in disease. Therefore, it has been classified as a Variant of Uncertain Significance.